The following is an entry in ClinVar:

ClinVar aggregate classification (germline): Pathogenic/Likely pathogenic. Review status: criteria provided, multiple submitters, no conflicts (2 of 4 stars). 4 submissions from 4 submitters: Pathogenic (1); Likely pathogenic (1). 2 of the submissions do not count toward it. Last evaluated 2023-09-22.

Conditions:
LOX-related disorder. Also called: LOX-related disorders; LOX-related condition.
Aortic aneurysm, familial thoracic 10 (AAT10). Identifiers: MedGen C4284414, MONDO:0014950, OMIM 617168.
Acute aortic dissection. Identifiers: MedGen C0241868.
Congenital aneurysm of ascending aorta (AAT1). Also called: AORTIC ANEURYSM, FAMILIAL THORACIC 1; Familial thoracic aortic aneurysm; ANNULOAORTIC ECTASIA; Aortic aneurysm, thoracic. Identifiers: Orphanet 229, MedGen C0345050, MONDO:0024559, OMIM 607086.
Familial thoracic aortic aneurysm and aortic dissection (TAAD). Also called: Thoracic aortic aneurysms and dissections. Identifiers: Orphanet 91387, MedGen C4707243, MONDO:0019625.

Submissions (4):

Blueprint Genetics
Classification: Pathogenic for LOX-related disorders. Last evaluated: 2023-09-22. Review status: criteria provided, single submitter. Criteria: ACMG Guidelines, 2015. Collection method: clinical testing. Allele origin: germline. Affected: yes. Observed: 2 variant alleles.

Institute of Human Genetics, University Medical Center Hamburg-Eppendorf
Classification: Likely pathogenic for Familial thoracic aortic aneurysm and aortic dissection. Last evaluated: 2018-11-20. Review status: criteria provided, single submitter. Criteria: ACMG Guidelines, 2015. Collection method: clinical testing. Allele origin: unknown. Inheritance: Autosomal dominant inheritance. Affected: yes.
Comment: Evidence for LOF pathogenicity as a common mechanism of disease is available.

OMIM
Classification: Pathogenic for AORTIC ANEURYSM, FAMILIAL THORACIC 10. Last evaluated: 2016-10-24. Review status: no assertion criteria provided. Collection method: literature only. Allele origin: germline. Not counted in ClinVar's aggregate classification.

University of Washington Center for Mendelian Genomics, University of Washington
Classification: Pathogenic for Familial thoracic aortic aneurysms; Acute aortic dissections. Last evaluated: 2016-01-12. Review status: no assertion criteria provided. Collection method: research. Allele origin: germline. Inheritance: Autosomal dominant inheritance. Affected: yes. Observed: 3 heterozygotes. Not counted in ClinVar's aggregate classification.

Literature cited by the submitters: PubMed 30675029 (cited by Institute of Human Genetics, University Medical Center Hamburg-Eppendorf); PubMed 26838787 (cited by Institute of Human Genetics, University Medical Center Hamburg-Eppendorf and OMIM); PMC 4839295 (cited by University of Washington Center for Mendelian Genomics, University of Washington).

NM_002317.7(LOX):c.125G>A (p.Trp42Ter)

Genes: LOX (lysyl oxidase; minus strand), SRFBP1 (serum response factor binding protein 1; plus strand). Cytogenetic location: 5q23.1.
Variant type: single nucleotide variant.
Coding change: c.125G>A on transcript NM_002317.7 (MANE Select); coding-DNA position 125, G replaced by A.
Protein change: p.Trp42Ter; replaces tryptophan 42 with a stop codon.
Molecular consequence: nonsense.
Genome position (GRCh38, 1-based): chr5:122,077,861, C>T on the plus strand (G>A on the coding strand, the complement: LOX is on the minus strand). VCF-style: chr5-122077861-C-T. GRCh37 (hg19) VCF-style: chr5-121413556-C-T.
Other names: short protein forms W42*.
Identifiers: ClinVar variation 267292 (VCV000267292.5), dbSNP rs886040966, ClinGen allele CA10590102.